The following is an entry in ClinVar:

NM_007118.4(TRIO):c.8853G>C (p.Gln2951His)

Gene: TRIO (trio Rho guanine nucleotide exchange factor; plus strand). Cytogenetic location: 5p15.2.
Variant type: single nucleotide variant.
Coding change: c.8853G>C on transcript NM_007118.4 (MANE Select); coding-DNA position 8853, G replaced by C.
Protein change: p.Gln2951His; replaces glutamine 2951 with histidine.
Molecular consequence: missense variant. On other transcripts: non-coding transcript variant (1).
Genome position (GRCh38, 1-based): chr5:14,507,981, G>C. VCF-style: chr5-14507981-G-C. GRCh37 (hg19) VCF-style: chr5-14508090-G-C.
Other names: short protein forms Q2951H.
Identifiers: ClinVar variation 4084886 (VCV004084886.8).

ClinVar aggregate classification (germline): Likely benign (1 of 4 stars; one submission).

gnomAD v4.1: 21 of 1,614,130 alleles (0.0013%); highest among the groups gnomAD compares: Non-Finnish European, 0.0017%; no homozygotes.

Submission:

CeGaT Center for Human Genetics Tuebingen
Classification: Likely benign. Last evaluated: 2025-08-01. Review status: criteria provided, single submitter. Criteria: CeGaT Center For Human Genetics Tuebingen Variant Classification Criteria Version 2. Collection method: clinical testing. Allele origin: germline. Affected: yes. Observed: 1 variant allele.
Comment: TRIO: BP4